The following is an entry in ClinVar:

NM_002016.2(FLG):c.11120C>A (p.Ser3707Ter)

Genes: CCDST (cervical cancer associated DHX9 suppressive transcript; plus strand), FLG (filaggrin; minus strand). Cytogenetic location: 1q21.3.
Variant type: single nucleotide variant.
Coding change: c.11120C>A on transcript NM_002016.2 (MANE Select); coding-DNA position 11120, C replaced by A.
Protein change: p.Ser3707Ter; replaces serine 3707 with a stop codon.
Molecular consequence: nonsense.
Genome position (GRCh38, 1-based): chr1:152,303,766, G>T on the plus strand (C>A on the coding strand, the complement: FLG is on the minus strand). VCF-style: chr1-152303766-G-T. GRCh37 (hg19) VCF-style: chr1-152276242-G-T.
Other names: short protein forms S3707*.
Identifiers: ClinVar variation 4891336 (VCV004891336.1).
Genomic context (GRCh38, chr1:152,303,766, plus strand): 5'-GCCCGTCCATGGGCAGACTCAGACTGTTCATGAGTGCTCACCTGGTAGAGGAAAGACCCT[G>T]AACGTCCAGACCTTCCTGCTGACCGGCCACGTGTGGACTCTTGGTGGCTCTGCTGATGGG-3'

ClinVar aggregate classification (germline): Pathogenic (1 of 4 stars; one submission).

gnomAD v4.1: 3 of 1,613,772 alleles (0.00019%); highest among the groups gnomAD compares: African/African-American, 0.004%; no homozygotes.

Submission:

GeneDx
Classification: Pathogenic. Last evaluated: 2026-03-07. Review status: criteria provided, single submitter. Criteria: GeneDx Variant Classification Process June 2021. Collection method: clinical testing. Allele origin: germline.
Comment: Identified in patients with atopic dermatitis in published literature (PMID: 24608987, 31365035); Nonsense variant predicted to result in protein truncation, as the last 335 amino acids are lost, and other loss-of-function variants have been reported downstream in HGMD.; This variant is associated with the following publications: (PMID: 31365035, 24608987)